The following is an entry in ClinVar:

NM_001830.4(CLCN4):c.1042del (p.Leu348fs)

Gene: CLCN4 (chloride voltage-gated channel 4; plus strand). Cytogenetic location: Xp22.2.
Variant type: Deletion.
Coding change: c.1042del on transcript NM_001830.4 (MANE Select); coding-DNA position 1042, one base deleted (C; older notation c.1042delC).
Protein change: p.Leu348fs; shifts the reading frame from leucine 348.
Molecular consequence: frameshift variant.
Genome position (GRCh38, 1-based): chrX:10,208,243, C deleted; the last of 3 consecutive C bases (chrX:10,208,241-10,208,243); deleting any one gives the same sequence. VCF-style (leftmost placement, unchanged base first): chrX-10208240-AC-A. GRCh37 (hg19) VCF-style: chrX-10176280-AC-A.
Other names: c.760del, p.Leu254fs (NM_001256944.2); short protein forms L254fs, L348fs.
Identifiers: ClinVar variation 3653319 (VCV003653319.2).
Genomic context (GRCh38, chrX:10,208,240, plus strand): 5'-TGGTACATGGCTGAACTCTTCCCCTTCATCCTGCTTGGGGTCTTCGGGGGCTTGTGGGGA[AC>A]CCTCTTCATCCGCTGCAACATCGCCTGGTGCAGGAGGCGCAAGACCACCAGGCTGGGGAA-3'

ClinVar aggregate classification (germline): Pathogenic (1 of 4 stars; one submission).

Submission:

Labcorp Genetics (formerly Invitae), Labcorp
Classification: Pathogenic. Last evaluated: 2024-05-20. Review status: criteria provided, single submitter. Criteria: Invitae Variant Classification Sherloc (09022015). Collection method: clinical testing. Allele origin: germline.
Comment: This sequence change creates a premature translational stop signal (p.Leu348Serfs*29) in the CLCN4 gene. It is expected to result in an absent or disrupted protein product. Loss-of-function variants in CLCN4 are known to be pathogenic (PMID: 27550844). This variant is not present in population databases (gnomAD no frequency). This variant has not been reported in the literature in individuals affected with CLCN4-related conditions. For these reasons, this variant has been classified as Pathogenic.

Literature cited by the submitters: PubMed 27550844.